The following is an entry in ClinVar:

NM_001302371.3(NBPF10):c.10644C>T (p.Ser3548=)

Gene: NBPF10 (NBPF member 10; minus strand). Cytogenetic location: 1q21.1.
Variant type: single nucleotide variant.
Coding change: c.10644C>T on transcript NM_001302371.3 (MANE Select); coding-DNA position 10644, C replaced by T.
Protein change: p.Ser3548=; no amino-acid change (serine 3548 retained).
Molecular consequence: synonymous variant.
Genome position (GRCh38, 1-based): chr1:146,069,709, G>A on the plus strand (C>T on the coding strand, the complement: NBPF10 is on the minus strand). VCF-style: chr1-146069709-G-A. GRCh37 (hg19) VCF-style: chr1-145365293-C-T.
Other names: c.10137C>T, p.Ser3379= (NM_001039703.6).
Identifiers: ClinVar variation 4823390 (VCV004823390.4).

ClinVar aggregate classification (germline): Likely benign (1 of 4 stars; one submission).

Submission:

CeGaT Center for Human Genetics Tuebingen
Classification: Likely benign. Last evaluated: 2026-02-01. Review status: criteria provided, single submitter. Criteria: CeGaT Center For Human Genetics Tuebingen Variant Classification Criteria Version 2. Collection method: clinical testing. Allele origin: germline. Affected: yes. Observed: 1 variant allele.
Comment: NBPF10: BP4, BP7